The following is an entry in ClinVar:

NM_000083.3(CLCN1):c.346G>T (p.Glu116Ter)

Gene: CLCN1 (chloride voltage-gated channel 1; plus strand). Cytogenetic location: 7q34.
Variant type: single nucleotide variant.
Coding change: c.346G>T on transcript NM_000083.3 (MANE Select); coding-DNA position 346, G replaced by T.
Protein change: p.Glu116Ter; replaces glutamic acid 116 with a stop codon.
Molecular consequence: nonsense. On other transcripts: non-coding transcript variant (1).
Genome position (GRCh38, 1-based): chr7:143,320,708, G>T. VCF-style: chr7-143320708-G-T. GRCh37 (hg19) VCF-style: chr7-143017801-G-T.
Other names: short protein forms E116*.
Identifiers: ClinVar variation 5007168 (VCV005007168.2).
Genomic context (GRCh38, chr7:143,320,708, plus strand): 5'-CCTCATCTCTTCCTAGATTGTATCCACCGCCTGGGACAGGTGGTGAGAAGAAAATTAGGG[G>T]AAGACGGGATCTTTCTGGTGCTTCTGGGACTGCTGATGGCTCTGGTCAGCTGGAGCATGG-3'

ClinVar aggregate classification (germline): Likely pathogenic (1 of 4 stars; one submission).

Conditions:
Congenital myotonia, autosomal recessive form. Also called: myotonia congenita, autosomal recessive; Becker Generalized Myotonia; BECKER DISEASE. Identifiers: Orphanet 614, MedGen C0751360, MONDO:0009715, OMIM 255700.
Congenital myotonia, autosomal dominant form (THD). Also called: THOMSEN DISEASE; Myotonia congenita autosomal dominant. Identifiers: Orphanet 614, MedGen C2936781, MONDO:0008055, OMIM 160800.

Submission:

Juno Genomics, Hangzhou Juno Genomics, Inc
Classification: Likely pathogenic for Congenital myotonia, autosomal dominant form; Congenital myotonia, autosomal recessive form. Review status: criteria provided, single submitter. Criteria: ACMG Guidelines, 2015. Collection method: clinical testing. Allele origin: germline.
Comment: Null variant in a gene where loss of function (LOF) is a known mechanism of disease.;Absent from controls (or at extremely low frequency if recessive) in Genome Aggregation Database.